The following is an entry in ClinVar:

NM_001282116.2(RFX3):c.1968+134G>A

Gene: RFX3 (regulatory factor X3; minus strand). Cytogenetic location: 9p24.2.
Variant type: single nucleotide variant.
Coding change: c.1968+134G>A on transcript NM_001282116.2 (MANE Select); 134 bases into the intron after coding-DNA position 1968, G replaced by A.
Molecular consequence: intron variant. On other transcripts: missense variant (1).
Genome position (GRCh38, 1-based): chr9:3,247,898, C>T on the plus strand (G>A on the coding strand, the complement: RFX3 is on the minus strand). VCF-style: chr9-3247898-C-T. GRCh37 (hg19) VCF-style: chr9-3247898-C-T.
Other names: c.2102G>A, p.Gly701Glu (NM_002919.4); c.1968+134G>A (NM_001377999.1, NM_134428.3); short protein forms G701E.
Identifiers: ClinVar variation 4875358 (VCV004875358.2).
Genomic context (GRCh38, chr9:3,247,898, plus strand): 5'-TTAGAATCTTTTGATTAAGCACATAAGAACAGAGGAATTTAAGGAACTCTTGCAATAACT[C>T]CACAGTCCCTCCTGGCTCTGAGGCTGACTTGGTTAGGAACCATGGTTTTAATCAATAATG-3'

ClinVar aggregate classification (germline): Likely benign (1 of 4 stars; one submission).

gnomAD v4.1: 27 of 1,610,844 alleles (0.0017%); highest among the groups gnomAD compares: African/African-American, 0.033%; no homozygotes.

Submission:

CeGaT Center for Human Genetics Tuebingen
Classification: Likely benign. Last evaluated: 2026-06-01. Review status: criteria provided, single submitter. Criteria: CeGaT Center For Human Genetics Tuebingen Variant Classification Criteria Version 2. Collection method: clinical testing. Allele origin: germline. Affected: yes. Observed: 1 variant allele.
Comment: RFX3: BP4, BS2